The following is an entry in ClinVar:

NM_004795.4(KL):c.1162C>A (p.Gln388Lys)

Gene: KL (klotho; plus strand). Cytogenetic location: 13q13.1.
Variant type: single nucleotide variant.
Coding change: c.1162C>A on transcript NM_004795.4 (MANE Select); coding-DNA position 1162, C replaced by A.
Protein change: p.Gln388Lys; replaces glutamine 388 with lysine.
Molecular consequence: missense variant.
Genome position (GRCh38, 1-based): chr13:33,054,109, C>A. VCF-style: chr13-33054109-C-A. GRCh37 (hg19) VCF-style: chr13-33628246-C-A.
Other names: short protein forms Q388K.
Identifiers: ClinVar variation 4770741 (VCV004770741.1).

ClinVar aggregate classification (germline): Uncertain significance (1 of 4 stars; one submission).

gnomAD v4.1: 1 of 1,613,924 alleles (0.000062%); highest among the groups gnomAD compares: Admixed American, 0.0017%; no homozygotes.

Submission:

Labcorp Genetics (formerly Invitae), Labcorp
Classification: Uncertain significance. Last evaluated: 2025-02-25. Review status: criteria provided, single submitter. Criteria: Invitae Variant Classification Sherloc (09022015). Collection method: clinical testing. Allele origin: germline.
Comment: This sequence change replaces glutamine, which is neutral and polar, with lysine, which is basic and polar, at codon 388 of the KL protein (p.Gln388Lys). This variant is present in population databases (no rsID available, gnomAD 0.003%). This variant has not been reported in the literature in individuals affected with KL-related conditions. Invitae Evidence Modeling of protein sequence and biophysical properties (such as structural, functional, and spatial information, amino acid conservation, physicochemical variation, residue mobility, and thermodynamic stability) has been performed for this missense variant. However, the output from this modeling did not meet the statistical confidence thresholds required to predict the impact of this variant on KL protein function. In summary, the available evidence is currently insufficient to determine the role of this variant in disease. Therefore, it has been classified as a Variant of Uncertain Significance.